The following is an entry in ClinVar:

ClinVar aggregate classification (germline): Uncertain significance (1 of 4 stars; one submission).

Conditions:
Charcot-Marie-Tooth disease axonal type 2Z. Also called: CHARCOT-MARIE-TOOTH DISEASE, AXONAL, AUTOSOMAL DOMINANT, TYPE 2Z; CHARCOT-MARIE-TOOTH NEUROPATHY, TYPE 2Z. Identifiers: Orphanet 466768, MedGen C5569025, MONDO:0014736, OMIM 616688.

gnomAD v4.1: 5 of 1,613,924 alleles (0.00031%); highest among the groups gnomAD compares: Non-Finnish European, 0.00042%; no homozygotes.

Submission:

Labcorp Genetics (formerly Invitae), Labcorp
Classification: Uncertain significance for Charcot-Marie-Tooth disease axonal type 2Z. Last evaluated: 2023-10-24. Review status: criteria provided, single submitter. Criteria: Invitae Variant Classification Sherloc (09022015). Collection method: clinical testing. Allele origin: germline.
Comment: This sequence change replaces proline, which is neutral and non-polar, with histidine, which is basic and polar, at codon 529 of the MORC2 protein (p.Pro529His). This variant is not present in population databases (gnomAD no frequency). This variant has not been reported in the literature in individuals affected with MORC2-related conditions. Advanced modeling of protein sequence and biophysical properties (such as structural, functional, and spatial information, amino acid conservation, physicochemical variation, residue mobility, and thermodynamic stability) performed at Invitae indicates that this missense variant is expected to disrupt MORC2 protein function with a positive predictive value of 95%. In summary, the available evidence is currently insufficient to determine the role of this variant in disease. Therefore, it has been classified as a Variant of Uncertain Significance.

NM_001303256.3(MORC2):c.1586C>A (p.Pro529His)

Gene: MORC2 (MORC family CW-type zinc finger 2; minus strand). Cytogenetic location: 22q12.2.
Variant type: single nucleotide variant.
Coding change: c.1586C>A on transcript NM_001303256.3 (MANE Select); coding-DNA position 1586, C replaced by A.
Protein change: p.Pro529His; replaces proline 529 with histidine.
Molecular consequence: missense variant.
Genome position (GRCh38, 1-based): chr22:30,936,950, G>T on the plus strand (C>A on the coding strand, the complement: MORC2 is on the minus strand). VCF-style: chr22-30936950-G-T. GRCh37 (hg19) VCF-style: chr22-31332937-G-T.
Other names: c.1586C>A, p.Pro529His (NM_001303257.2); c.1400C>A, p.Pro467His (NM_014941.3); short protein forms P529H, P467H.
Identifiers: ClinVar variation 2896436 (VCV002896436.3), dbSNP rs1569191635, ClinGen allele CA411237431.
Genomic context (GRCh38, chr22:30,936,950, plus strand): 5'-GAGAAAAGTACCCACAATCCCCTTGTTAGACAATGTGCTCACCGGTCCTGTTCAGGATCA[G>T]GGTTCATGGAGCAAACCCAGGTGTCAGGGTAATCTTTTTCCACAGAACTCAGCTGGAAGG-3'
Protein context (NP_001290185.1, residues 519-539): YPDTWVCSMN[Pro529His]DPEQDRCEAS